The following is an entry in ClinVar:

NM_020791.4(TAOK1):c.247A>G (p.Ile83Val)

Gene: TAOK1 (TAO kinase 1; plus strand). Cytogenetic location: 17q11.2.
Variant type: single nucleotide variant.
Coding change: c.247A>G on transcript NM_020791.4 (MANE Select); coding-DNA position 247, A replaced by G.
Protein change: p.Ile83Val; replaces isoleucine 83 with valine.
Molecular consequence: missense variant.
Genome position (GRCh38, 1-based): chr17:29,475,712, A>G. VCF-style: chr17-29475712-A-G. GRCh37 (hg19) VCF-style: chr17-27802730-A-G.
Other names: c.247A>G, p.Ile83Val (NM_025142.1); short protein forms I83V.
Identifiers: ClinVar variation 1801862 (VCV001801862.1), dbSNP rs2030928353, ClinGen allele CA399188345.

ClinVar aggregate classification (germline): Uncertain significance (1 of 4 stars; one submission).

Allele frequency attached by ClinVar (database versions not stated): gnomAD exomes below 0.00001; TOPMed below 0.00001.
gnomAD v4.1: 1 of 1,613,402 alleles (0.000062%); highest among the groups gnomAD compares: Non-Finnish European, 0.000085%; no homozygotes.

Submission:

GeneDx
Classification: Uncertain significance. Last evaluated: 2022-06-02. Review status: criteria provided, single submitter. Criteria: GeneDx Variant Classification Process June 2021. Collection method: clinical testing. Allele origin: germline. Affected: yes.
Comment: Not observed at significant frequency in large population cohorts (gnomAD); In silico analysis supports that this missense variant does not alter protein structure/function; Has not been previously published as pathogenic or benign to our knowledge